The following is an entry in ClinVar:

ClinVar aggregate classification (germline): Pathogenic. Review status: criteria provided, single submitter (1 of 4 stars). 2 submissions from 2 submitters: Pathogenic (1). 1 of the submissions does not count toward it. Last evaluated 2023-09-30.

Conditions:
Analbuminemia (ANALBA). Also called: Analbuminemia, American Indian type; Analbuminemia, Vancouver. Identifiers: Orphanet 86816, MedGen C0878666, OMIM 616000.

Submissions (2):

GeneDx
Classification: Pathogenic. Last evaluated: 2023-09-30. Review status: criteria provided, single submitter. Criteria: GeneDx Variant Classification Process June 2021. Collection method: clinical testing. Allele origin: germline. Affected: yes.
Comment: Not observed at significant frequency in large population cohorts (gnomAD); Canonical splice site variant predicted to result in a null allele in a gene for which loss of function is a known mechanism of disease; Published functional studies demonstrate a damaging effect, specifically ligation of the exon 6 and 7 sequences (Ruffner et al., 1988); This variant is associated with the following publications: (PMID: 3353369, 22227324, 32553838)

OMIM
Classification: Pathogenic for ANALBUMINEMIA VANCOUVER. Last evaluated: 1988-04-01. Review status: no assertion criteria provided. Collection method: literature only. Allele origin: germline. Not counted in ClinVar's aggregate classification.

Literature cited by the submitters: PubMed 3353369 (cited by OMIM).

NM_000477.7(ALB):c.714-2A>G

Gene: ALB (albumin; plus strand). Cytogenetic location: 4q13.3.
Variant type: single nucleotide variant.
Coding change: c.714-2A>G on transcript NM_000477.7 (MANE Select); the canonical splice acceptor site of the intron before coding-DNA position 714, A replaced by G.
Molecular consequence: splice acceptor variant.
Genome position (GRCh38, 1-based): chr4:73,411,994, A>G. VCF-style: chr4-73411994-A-G. GRCh37 (hg19) VCF-style: chr4-74277711-A-G.
Other names: IVS6AS, A-G, -2.
Identifiers: ClinVar variation 18210 (VCV000018210.4), dbSNP rs77335374, ClinGen allele CA127927.